The following is an entry in ClinVar:

NM_005045.4(RELN):c.10286+1G>A

Genes: SLC26A5-AS1 (SLC26A5 antisense RNA 1; plus strand), RELN (reelin; minus strand). Cytogenetic location: 7q22.1.
Variant type: single nucleotide variant.
Coding change: c.10286+1G>A on transcript NM_005045.4 (MANE Select); the canonical splice donor site of the intron after coding-DNA position 10286, G replaced by A.
Molecular consequence: splice donor variant. On other transcripts: intron variant (1).
Genome position (GRCh38, 1-based): chr7:103,478,388, C>T on the plus strand (G>A on the coding strand, the complement: RELN is on the minus strand). VCF-style: chr7-103478388-C-T. GRCh37 (hg19) VCF-style: chr7-103118835-C-T.
Other names: c.10280+4485G>A (NM_173054.3).
Identifiers: ClinVar variation 2629190 (VCV002629190.2), dbSNP rs761661448, ClinGen allele CA4419976.
Genomic context (GRCh38, chr7:103,478,388, plus strand): 5'-TTTGGTGTCACTGATGAAACTATTAGTAAACAGTTCCCCAGATTTAGTAAGGAGGACTTA[C>T]CTTACTCTAGTGGAAAACCAATGACAGCAAATAATGAAATATAACACAAGTTAAAAAATG-3'

ClinVar aggregate classification (germline): Uncertain significance. Review status: criteria provided, multiple submitters, no conflicts (2 of 4 stars). 2 submissions from 2 submitters: Uncertain significance (2). Last evaluated 2025-07-21.

Conditions:
Norman-Roberts syndrome (LIS2). Also called: Lissencephaly 2 (Norman-Roberts type). Identifiers: Orphanet 89844, MedGen C0796089, MONDO:0009760, OMIM 257320.
Familial temporal lobe epilepsy 7. Identifiers: Orphanet 101046, MedGen C4225327, MONDO:0014639, OMIM 616436.
RELN-related disorder. Also called: RELN-related condition.

Allele frequency attached by ClinVar (database versions not stated): gnomAD exomes below 0.00001; TOPMed below 0.00001; ExAC 0.00001; gnomAD 0.00001.
gnomAD v4.1: 3 of 758,132 alleles (0.0004%); highest among the groups gnomAD compares: Non-Finnish European, 0.00072%; no homozygotes.

Submissions (2):

Labcorp Genetics (formerly Invitae), Labcorp
Classification: Uncertain significance for Familial temporal lobe epilepsy 7; Norman-Roberts syndrome. Last evaluated: 2025-07-21. Review status: criteria provided, single submitter. Criteria: Invitae Variant Classification Sherloc (09022015). Collection method: clinical testing. Allele origin: germline.
Comment: This sequence change affects a donor splice site in intron 64 of the RELN gene. While this variant is not anticipated to result in nonsense mediated decay, it likely alters RNA splicing and results in a disrupted protein product. The frequency data for this variant in the population databases is considered unreliable, as metrics indicate poor data quality at this position in the gnomAD database. This variant has not been reported in the literature in individuals affected with RELN-related conditions. ClinVar contains an entry for this variant (Variation ID: 2629190). Variants that disrupt the consensus splice site are a relatively common cause of aberrant splicing (PMID: 17576681, 9536098). This variant disrupts a region of the RELN protein in which other variant(s) (p.Arg3453Gln) have been observed in individuals with RELN-related conditions (internal data). This suggests that this is a clinically significant region of the protein, and that variants that disrupt it are likely to be disease-causing. In summary, the available evidence is currently insufficient to determine the role of this variant in disease. Therefore, it has been classified as a Variant of Uncertain Significance.

PreventionGenetics, part of Exact Sciences
Classification: Uncertain significance for RELN-related condition. Last evaluated: 2023-08-10. Review status: criteria provided, single submitter. Criteria: ACMG Guidelines, 2015. Collection method: clinical testing. Allele origin: germline.
Comment: The RELN c.10286+1G>A variant is predicted to disrupt the GT donor site and interfere with normal splicing. However, this variant affects an exon that is alternatively spliced and has evidence of low expression by RNA sequencing. To our knowledge, this variant has not been reported in the literature. This variant is reported in 0.00097% of alleles in individuals of European (Non-Finnish) descent in gnomAD. At this time, the clinical significance of this variant is uncertain due to the absence of conclusive functional and genetic evidence.

Literature cited by the submitters: PubMed 17576681 (cited by Labcorp Genetics (formerly Invitae), Labcorp); PubMed 9536098 (cited by Labcorp Genetics (formerly Invitae), Labcorp).